The following is an entry in ClinVar:

ClinVar aggregate classification (germline): Uncertain significance. Review status: criteria provided, multiple submitters, no conflicts (2 of 4 stars). 2 submissions from 2 submitters: Uncertain significance (2). Last evaluated 2024-08-13.

Allele frequency attached by ClinVar (database versions not stated): gnomAD exomes below 0.00001; ExAC 0.00001; gnomAD 0.00001; TOPMed 0.00003; 1000 Genomes Project 30x 0.00016; 1000 Genomes Project 0.00020.

Submissions (2):

Labcorp Genetics (formerly Invitae), Labcorp
Classification: Uncertain significance. Last evaluated: 2024-08-13. Review status: criteria provided, single submitter. Criteria: Invitae Variant Classification Sherloc (09022015). Collection method: clinical testing. Allele origin: germline.
Comment: This sequence change replaces glycine, which is neutral and non-polar, with arginine, which is basic and polar, at codon 171 of the UCP2 protein (p.Gly171Arg). This variant is present in population databases (rs553780836, gnomAD 0.003%). This variant has not been reported in the literature in individuals affected with UCP2-related conditions. An algorithm developed to predict the effect of missense changes on protein structure and function (PolyPhen-2) suggests that this variant is likely to be disruptive. In summary, the available evidence is currently insufficient to determine the role of this variant in disease. Therefore, it has been classified as a Variant of Uncertain Significance.

Ambry Genetics
Classification: Uncertain significance. Last evaluated: 2023-11-13. Review status: criteria provided, single submitter. Criteria: Ambry Variant Classification Scheme 2023. Collection method: clinical testing. Allele origin: germline.

NM_003355.3(UCP2):c.511G>A (p.Gly171Arg)

Gene: UCP2 (uncoupling protein 2; minus strand). Cytogenetic location: 11q13.4.
Variant type: single nucleotide variant.
Coding change: c.511G>A on transcript NM_003355.3 (MANE Select); coding-DNA position 511, G replaced by A.
Protein change: p.Gly171Arg; replaces glycine 171 with arginine.
Molecular consequence: missense variant. On other transcripts: intron variant (1).
Genome position (GRCh38, 1-based): chr11:73,976,844, C>T on the plus strand (G>A on the coding strand, the complement: UCP2 is on the minus strand). VCF-style: chr11-73976844-C-T. GRCh37 (hg19) VCF-style: chr11-73687889-C-T.
Other names: c.511G>A, p.Gly171Arg (NM_001381943.1, NM_001381944.1, NM_001381945.1 and 3 more transcripts); c.338-102G>A (NM_001381950.1); short protein forms G171R.
Identifiers: ClinVar variation 3185985 (VCV003185985.3), dbSNP rs553780836, ClinGen allele CA6181117.